The following is an entry in ClinVar:

ClinVar aggregate classification (germline): Likely pathogenic (1 of 4 stars; one submission).

Conditions:
Autosomal recessive Alport syndrome (ATS2). Also called: Alport syndrome type 2; COL4A4 Alport Syndrome and Thin Basement Membrane Nephropathy; ALPORT SYNDROME 2, AUTOSOMAL RECESSIVE; COL4A3-Related Nephropathy. Identifiers: Orphanet 63, Orphanet 88919, MedGen C4746745, MONDO:0008762, OMIM 203780.

Submission:

Myriad Genetics, Inc.
Classification: Likely pathogenic for Autosomal recessive Alport syndrome. Last evaluated: 2022-05-21. Review status: criteria provided, single submitter. Criteria: Myriad Women's Health Autosomal Recessive and X-Linked Classification Criteria (2021). Collection method: clinical testing. Allele origin: unknown.
Comment: NM_000091.4(COL4A3):c.4625_4626delAG(E1542Afs*10) is expected to be pathogenic in the context of COL4A3-related Alport syndrome. This variant is predicted to lead to an abnormal or absent protein product due to the creation of a premature termination codon in COL4A3, a gene where loss-of-function variants are known to be pathogenic. Please note: this variant was assessed in the context of healthy population screening.

NM_000091.5(COL4A3):c.4625_4626del (p.Glu1542fs)

Genes: COL4A3 (collagen type IV alpha 3 chain; plus strand), MFF-DT (MFF divergent transcript; minus strand). Cytogenetic location: 2q36.3.
Variant type: Deletion.
Coding change: c.4625_4626del on transcript NM_000091.5 (MANE Select); coding-DNA positions 4625 to 4626, 2 bases deleted (AG; older notation c.4625_4626delAG).
Protein change: p.Glu1542fs; shifts the reading frame from glutamic acid 1542.
Molecular consequence: frameshift variant.
Genome position (GRCh38, 1-based): chr2:227,309,061-227,309,062, AG deleted; deleting any 2 consecutive bases within chr2:227,309,060-227,309,062 gives the same sequence; the c. name uses the placement nearest the transcript's 3' end. VCF-style (leftmost placement, unchanged base first): chr2-227309059-TGA-T. GRCh37 (hg19) VCF-style: chr2-228173775-TGA-T.
Other names: short protein forms E1542fs.
Identifiers: ClinVar variation 1726188 (VCV001726188.2), dbSNP rs2469937825, ClinGen allele CA2580065913.